The following is an entry in ClinVar:

ClinVar aggregate classification (germline): Likely pathogenic (1 of 4 stars; one submission).

Conditions:
Cardiovascular phenotype. Identifiers: MedGen CN230736.

gnomAD v4.1: 1 of 1,613,486 alleles (0.000062%); highest among the groups gnomAD compares: East Asian, 0.0022%; no homozygotes.

Submission:

Ambry Genetics
Classification: Likely pathogenic for Cardiovascular phenotype. Last evaluated: 2022-11-22. Review status: criteria provided, single submitter. Criteria: Ambry Variant Classification Scheme 2023. Collection method: clinical testing. Allele origin: germline.
Comment: The p.Y237C variant (also known as c.710A>G), located in coding exon 6 of the MYBPC3 gene, results from an A to G substitution at nucleotide position 710. The tyrosine at codon 237 is replaced by cysteine, an amino acid with highly dissimilar properties. This alteration has been reported in association with hypertrophic cardiomyopathy (HCM) (Coto E et al. J Mol Diagn, 2012 Sep;14:518-24; Garc&iacute;a-Castro M et al. Rev Esp Cardiol, 2009 Jan;62:48-56: Ambry internal data). This variant is considered to be rare based on population cohorts in the Genome Aggregation Database (gnomAD). This amino acid position is highly conserved in available vertebrate species. In addition, this alteration is predicted to be deleterious by in silico analysis. Based on the majority of available evidence to date, this variant is likely to be pathogenic.

Literature cited by the submitters: PubMed 19150014; PubMed 20594303; PubMed 22765922; PubMed 25342278.

NM_000256.3(MYBPC3):c.710A>G (p.Tyr237Cys)

Gene: MYBPC3 (myosin binding protein C3; minus strand). Cytogenetic location: 11p11.2.
Variant type: single nucleotide variant.
Coding change: c.710A>G on transcript NM_000256.3 (MANE Select); coding-DNA position 710, A replaced by G.
Protein change: p.Tyr237Cys; replaces tyrosine 237 with cysteine.
Molecular consequence: missense variant.
Genome position (GRCh38, 1-based): chr11:47,348,486, T>C on the plus strand (A>G on the coding strand, the complement: MYBPC3 is on the minus strand). VCF-style: chr11-47348486-T-C. GRCh37 (hg19) VCF-style: chr11-47370037-T-C.
Other names: short protein forms Y237C.
Identifiers: ClinVar variation 2496735 (VCV002496735.2), dbSNP rs397516070, ClinGen allele CA380335934.